The following is an entry in ClinVar:

ClinVar aggregate classification (germline): Conflicting classifications of pathogenicity. Review status: criteria provided, conflicting classifications (1 of 4 stars). 4 submissions from 4 submitters: Uncertain significance (2); Likely benign (2). Last evaluated 2026-01-05.

Conditions:
Nemaline myopathy 2 (NEM2). Also called: Nemaline myopathy 2, autosomal recessive. Identifiers: MedGen C1850569, MONDO:0009725, OMIM 256030.

Allele frequency attached by ClinVar (database versions not stated): gnomAD 0.00003 and 0.00004; ExAC 0.00004; TOPMed 0.00005; gnomAD exomes 0.00006; ESP Exome Variant Server 0.00008.
gnomAD v4.1: 90 of 1,613,414 alleles (0.0056%); highest among the groups gnomAD compares: Non-Finnish European, 0.0074%; no homozygotes.

Submissions (4):

Labcorp Genetics (formerly Invitae), Labcorp
Classification: Likely benign for Nemaline myopathy 2. Last evaluated: 2026-01-05. Review status: criteria provided, single submitter. Criteria: Invitae Variant Classification Sherloc (09022015). Collection method: clinical testing. Allele origin: germline.

CeGaT Center for Human Genetics Tuebingen
Classification: Likely benign. Last evaluated: 2025-02-01. Review status: criteria provided, single submitter. Criteria: CeGaT Center For Human Genetics Tuebingen Variant Classification Criteria Version 2. Collection method: clinical testing. Allele origin: germline. Affected: yes. Observed: 3 variant alleles.
Comment: NEB: BP4

Revvity Omics, Revvity
Classification: Uncertain significance. Last evaluated: 2019-09-03. Review status: criteria provided, single submitter. Criteria: ACMG Guidelines, 2015. Collection method: clinical testing. Allele origin: germline.

Illumina Laboratory Services, Illumina
Classification: Uncertain significance for Nemaline myopathy 2. Last evaluated: 2018-01-12. Review status: criteria provided, single submitter. Criteria: ICSL Variant Classification Criteria 13 December 2019. Collection method: clinical testing. Allele origin: germline.

NM_001164508.2(NEB):c.6513T>C (p.Asp2171=)

Gene: NEB (nebulin; minus strand). Cytogenetic location: 2q23.3.
Variant type: single nucleotide variant.
Coding change: c.6513T>C on transcript NM_001164508.2 (MANE Select); coding-DNA position 6513, T replaced by C.
Protein change: p.Asp2171=; no amino-acid change (aspartic acid 2171 retained).
Molecular consequence: synonymous variant.
Genome position (GRCh38, 1-based): chr2:151,656,006, A>G on the plus strand (T>C on the coding strand, the complement: NEB is on the minus strand). VCF-style: chr2-151656006-A-G. GRCh37 (hg19) VCF-style: chr2-152512520-A-G.
Other names: c.6513T>C, p.Asp2171= (NM_001164507.2, NM_001271208.2, NM_004543.5).
Identifiers: ClinVar variation 331496 (VCV000331496.51), dbSNP rs376535906, ClinGen allele CA1910078.
Genomic context (GRCh38, chr2:151,656,006, plus strand): 5'-CTTCTCCACTTCCAGAGAACCTGCTGGACTCCAGCCAAGCCCTTTGTACCATTCATTGTA[A>G]TCTTGCTTATATTCATTCTATAAAGAAGATAAGCAAATTCTACTTTATCTTATCCATTTA-3'
Protein context (NP_001157980.2, residues 2161-2181): RIQSDNEYKQ[Asp2171=]YNEWYKGLGW